The following is an entry in ClinVar:

ClinVar aggregate classification (germline): Uncertain significance (1 of 4 stars; one submission).

Submission:

GeneDx
Classification: Uncertain significance. Last evaluated: 2026-03-31. Review status: criteria provided, single submitter. Criteria: GeneDx Variant Classification Process June 2021. Collection method: clinical testing. Allele origin: germline.
Comment: Not observed at significant frequency in large population cohorts (gnomAD); In silico analysis indicates that this missense variant does not alter protein structure/function; Has not been previously published as pathogenic or benign to our knowledge

NM_014991.6(WDFY3):c.6388A>G (p.Ile2130Val)

Gene: WDFY3 (WD repeat and FYVE domain containing 3; minus strand). Cytogenetic location: 4q21.23.
Variant type: single nucleotide variant.
Coding change: c.6388A>G on transcript NM_014991.6 (MANE Select); coding-DNA position 6388, A replaced by G.
Protein change: p.Ile2130Val; replaces isoleucine 2130 with valine.
Molecular consequence: missense variant.
Genome position (GRCh38, 1-based): chr4:84,740,263, T>C on the plus strand (A>G on the coding strand, the complement: WDFY3 is on the minus strand). VCF-style: chr4-84740263-T-C. GRCh37 (hg19) VCF-style: chr4-85661416-T-C.
Other names: short protein forms I2130V.
Identifiers: ClinVar variation 3774630 (VCV003774630.2).